The following is an entry in ClinVar:

NM_172107.4(KCNQ2):c.493C>T (p.Arg165Trp)

Gene: KCNQ2 (potassium voltage-gated channel subfamily Q member 2; minus strand). Cytogenetic location: 20q13.33.
Variant type: single nucleotide variant.
Coding change: c.493C>T on transcript NM_172107.4 (MANE Select); coding-DNA position 493, C replaced by T.
Protein change: p.Arg165Trp; replaces arginine 165 with tryptophan.
Molecular consequence: missense variant.
Genome position (GRCh38, 1-based): chr20:63,445,259, G>A on the plus strand (C>T on the coding strand, the complement: KCNQ2 is on the minus strand). VCF-style: chr20-63445259-G-A. GRCh37 (hg19) VCF-style: chr20-62076612-G-A.
Other names: c.493C>T, p.Arg165Trp (NM_001382235.1, NM_004518.6, NM_172106.3 and 2 more transcripts); short protein forms R165W.
Identifiers: ClinVar variation 1999397 (VCV001999397.4), dbSNP rs764190186, ClinGen allele CA9958809.

ClinVar aggregate classification (germline): Uncertain significance (1 of 4 stars; one submission).

Conditions:
Early-infantile DEE. Also called: Ohtahara syndrome; Early infantile epileptic encephalopathy; Early infantile epileptic encephalopathy with suppression bursts. Identifiers: Orphanet 1934, MedGen C0393706, MONDO:0800491.

Allele frequency attached by ClinVar (database versions not stated): gnomAD exomes below 0.00001; ExAC 0.00001; gnomAD 0.00001.
gnomAD v4.1: 2 of 1,613,730 alleles (0.00012%); highest among the groups gnomAD compares: Non-Finnish European, 0.00017%; no homozygotes.

Submission:

Labcorp Genetics (formerly Invitae), Labcorp
Classification: Uncertain significance for Early-infantile DEE. Last evaluated: 2024-04-25. Review status: criteria provided, single submitter. Criteria: Invitae Variant Classification Sherloc (09022015). Collection method: clinical testing. Allele origin: germline.
Comment: This sequence change replaces arginine, which is basic and polar, with tryptophan, which is neutral and slightly polar, at codon 165 of the KCNQ2 protein (p.Arg165Trp). This variant is present in population databases (rs764190186, gnomAD 0.004%). This variant has not been reported in the literature in individuals affected with KCNQ2-related conditions. ClinVar contains an entry for this variant (Variation ID: 1999397). Advanced modeling of protein sequence and biophysical properties (such as structural, functional, and spatial information, amino acid conservation, physicochemical variation, residue mobility, and thermodynamic stability) performed at Invitae indicates that this missense variant is expected to disrupt KCNQ2 protein function with a positive predictive value of 95%. In summary, the available evidence is currently insufficient to determine the role of this variant in disease. Therefore, it has been classified as a Variant of Uncertain Significance.